The following is an entry in ClinVar:

ClinVar aggregate classification (germline): Pathogenic. Review status: criteria provided, multiple submitters, no conflicts (2 of 4 stars). 2 submissions from 2 submitters: Pathogenic (2). Last evaluated 2024-05-06.

Conditions:
Usher syndrome type 2A. Also called: RETINAL DISEASE IN USHER SYNDROME TYPE IIA, MODIFIER OF; USHER SYNDROME, TYPE IIA. Identifiers: Orphanet 231178, Orphanet 886, MedGen C1848634, MONDO:0010169, OMIM 276901.

gnomAD v4.1: 1 of 1,612,094 alleles (0.000062%); highest among the groups gnomAD compares: Non-Finnish European, 0.000085%; no homozygotes.

Submissions (2):

Natera, Inc.
Classification: Pathogenic for Usher syndrome type 2A. Last evaluated: 2024-05-06. Review status: criteria provided, single submitter. Criteria: Natera Variant Classification Schema (03/2026). Collection method: clinical testing. Allele origin: germline.
Comment: The c.9570+1G>T variant in USH2A is a canonical splice donor site variant predicted to affect pre-mRNA splicing, which may result in an abnormal transcript and altered protein product. This variant is expected to result in nonsense mediated decay, truncation, or a dysfunctional protein product. This variant is rare in the general population with a frequency below the threshold expected for the associated phenotype(s). Another variant at this same site results in an alteration predicted to cause a similar molecular effect has been observed in individual(s) with the associated phenotype. Given the available evidence, this variant is classified as Pathogenic.

Labcorp Genetics (formerly Invitae), Labcorp
Classification: Pathogenic. Last evaluated: 2022-07-17. Review status: criteria provided, single submitter. Criteria: Invitae Variant Classification Sherloc (09022015). Collection method: clinical testing. Allele origin: germline.
Comment: For these reasons, this variant has been classified as Pathogenic. Algorithms developed to predict the effect of sequence changes on RNA splicing suggest that this variant may disrupt the consensus splice site. Disruption of this splice site has been observed in individual(s) with USH2A-related conditions and/or Usher syndrome (PMID: 23737954, 23767834). It has also been observed to segregate with disease in related individuals. This variant is not present in population databases (gnomAD no frequency). This sequence change affects a donor splice site in intron 48 of the USH2A gene. It is expected to disrupt RNA splicing. Variants that disrupt the donor or acceptor splice site typically lead to a loss of protein function (PMID: 16199547), and loss-of-function variants in USH2A are known to be pathogenic (PMID: 10729113, 10909849, 20507924, 25649381).

Literature cited by the submitters: PubMed 23737954 (cited by Labcorp Genetics (formerly Invitae), Labcorp); PubMed 23767834 (cited by Labcorp Genetics (formerly Invitae), Labcorp); PubMed 16199547 (cited by Labcorp Genetics (formerly Invitae), Labcorp); PubMed 10729113 (cited by Labcorp Genetics (formerly Invitae), Labcorp); PubMed 10909849 (cited by Labcorp Genetics (formerly Invitae), Labcorp); PubMed 20507924 (cited by Labcorp Genetics (formerly Invitae), Labcorp); PubMed 25649381 (cited by Labcorp Genetics (formerly Invitae), Labcorp).

NM_206933.4(USH2A):c.9570+1G>T

Gene: USH2A (usherin; minus strand). Cytogenetic location: 1q41.
Variant type: single nucleotide variant.
Coding change: c.9570+1G>T on transcript NM_206933.4 (MANE Select); the canonical splice donor site of the intron after coding-DNA position 9570, G replaced by T.
Molecular consequence: splice donor variant.
Genome position (GRCh38, 1-based): chr1:215,816,996, C>A on the plus strand (G>T on the coding strand, the complement: USH2A is on the minus strand). VCF-style: chr1-215816996-C-A. GRCh37 (hg19) VCF-style: chr1-215990338-C-A.
Other names: c.9570+1G>T (NM_206933.2).
Identifiers: ClinVar variation 2017870 (VCV002017870.5), dbSNP rs760225886, ClinGen allele CA344823863.